The following is an entry in ClinVar:

ClinVar aggregate classification (germline): Likely pathogenic. Review status: criteria provided, multiple submitters, no conflicts (2 of 4 stars). 2 submissions from 2 submitters: Likely pathogenic (2). Last evaluated 2025-03-17.

Conditions:
Short-rib thoracic dysplasia 18 with polydactyly. Identifiers: MedGen C4693420, MONDO:0036483, OMIM 617866.
Retinitis pigmentosa 81 (RP81). Identifiers: MedGen C4693443, MONDO:0036482, OMIM 617871.
Cranioectodermal dysplasia 3 (CED3). Identifiers: Orphanet 1515, MedGen C3279807, MONDO:0013573, OMIM 614099.

Allele frequency attached by ClinVar (database versions not stated): gnomAD 0.00001; TOPMed 0.00001.
gnomAD v4.1: 9 of 1,612,522 alleles (0.00056%); highest among the groups gnomAD compares: Admixed American, 0.0017%; no homozygotes.

Submissions (2):

First Genomix Gene Laboratory, Genetic Diagnostics Department
Classification: Likely pathogenic for Cranioectodermal dysplasia 3; Retinitis pigmentosa 81; Short-rib thoracic dysplasia 18 with polydactyly. Last evaluated: 2025-03-17. Review status: criteria provided, single submitter. Criteria: ACMG Guidelines, 2015. Collection method: clinical testing. Allele origin: germline. Inheritance: Autosomal recessive inheritance. Affected: no. Observed: 1 variant allele.

Labcorp Genetics (formerly Invitae), Labcorp
Classification: Likely pathogenic. Last evaluated: 2025-03-10. Review status: criteria provided, single submitter. Criteria: Invitae Variant Classification Sherloc (09022015). Collection method: clinical testing. Allele origin: germline.
Comment: This sequence change affects an acceptor splice site in intron 2 of the IFT43 gene. It is expected to disrupt RNA splicing. Variants that disrupt the donor or acceptor splice site typically lead to a loss of protein function (PMID: 16199547), and loss-of-function variants in IFT43 are known to be pathogenic (PMID: 21378380, 28400947). This variant is present in population databases (rs748576209, gnomAD 0.003%). This variant has not been reported in the literature in individuals affected with IFT43-related conditions. ClinVar contains an entry for this variant (Variation ID: 1513672). Algorithms developed to predict the effect of sequence changes on RNA splicing suggest that this variant may disrupt the consensus splice site. In summary, the currently available evidence indicates that the variant is pathogenic, but additional data are needed to prove that conclusively. Therefore, this variant has been classified as Likely Pathogenic.

Literature cited by the submitters: PubMed 16199547 (cited by Labcorp Genetics (formerly Invitae), Labcorp); PubMed 21378380 (cited by Labcorp Genetics (formerly Invitae), Labcorp); PubMed 28400947 (cited by Labcorp Genetics (formerly Invitae), Labcorp).

NM_001102564.3(IFT43):c.148-2A>C

Gene: IFT43 (intraflagellar transport 43; plus strand). Cytogenetic location: 14q24.3.
Variant type: single nucleotide variant.
Coding change: c.148-2A>C on transcript NM_001102564.3 (MANE Select); the canonical splice acceptor site of the intron before coding-DNA position 148, A replaced by C.
Molecular consequence: splice acceptor variant.
Genome position (GRCh38, 1-based): chr14:76,022,325, A>C. VCF-style: chr14-76022325-A-C. GRCh37 (hg19) VCF-style: chr14-76488668-A-C.
Other names: c.148-2A>C (NM_052873.3, NM_001255995.3).
Identifiers: ClinVar variation 1513672 (VCV001513672.7), dbSNP rs748576209, ClinGen allele CA7280675.